The following is an entry in ClinVar:

NM_001321967.2(ATAD1):c.826G>T (p.Glu276Ter)

Gene: ATAD1 (ATPase family AAA domain containing 1; minus strand). Cytogenetic location: 10q23.31.
Variant type: single nucleotide variant.
Coding change: c.826G>T on transcript NM_001321967.2 (MANE Select); coding-DNA position 826, G replaced by T.
Protein change: p.Glu276Ter; replaces glutamic acid 276 with a stop codon.
Molecular consequence: nonsense. On other transcripts: non-coding transcript variant (1).
Genome position (GRCh38, 1-based): chr10:87,767,678, C>A on the plus strand (G>T on the coding strand, the complement: ATAD1 is on the minus strand). VCF-style: chr10-87767678-C-A. GRCh37 (hg19) VCF-style: chr10-89527435-C-A.
Other names: c.736G>T, p.Glu246Ter (NM_001321968.2); c.469G>T, p.Glu157Ter (NM_001321969.2); c.826G>T, p.Glu276Ter (NM_032810.4); short protein forms E276*, E246*, E157*.
Identifiers: ClinVar variation 545495 (VCV000545495.10), dbSNP rs1554874859, ClinGen allele CA377488580.

ClinVar aggregate classification (germline): Pathogenic/Likely pathogenic. Review status: criteria provided, multiple submitters, no conflicts (2 of 4 stars). 3 submissions from 3 submitters: Pathogenic (1); Likely pathogenic (1). 1 of the submissions does not count toward it. Last evaluated 2024-07-29.

Conditions:
Hyperekplexia 4. Identifiers: MedGen C4693933, MONDO:0044330, OMIM 618011.

Submissions (3):

Labcorp Genetics (formerly Invitae), Labcorp
Classification: Likely pathogenic. Last evaluated: 2024-07-29. Review status: criteria provided, single submitter. Criteria: Invitae Variant Classification Sherloc (09022015). Collection method: clinical testing. Allele origin: germline.
Comment: This sequence change creates a premature translational stop signal (p.Glu276*) in the ATAD1 gene. It is expected to result in an absent or disrupted protein product. However, the current clinical and genetic evidence is not sufficient to establish whether loss-of-function variants in ATAD1 cause disease. This variant is not present in population databases (gnomAD no frequency). This premature translational stop signal has been observed in individual(s) with ATAD1-related conditions (PMID: 28180185). It has also been observed to segregate with disease in related individuals. ClinVar contains an entry for this variant (Variation ID: 545495). In summary, the currently available evidence indicates that the variant is pathogenic, but additional data are needed to prove that conclusively. Therefore, this variant has been classified as Likely Pathogenic.

SIB Swiss Institute of Bioinformatics
Classification: Pathogenic for Hyperekplexia 4. Last evaluated: 2018-10-15. Review status: criteria provided, single submitter. Criteria: ACMG Guidelines, 2015. Collection method: curation. Allele origin: unknown.
Comment: This variant is interpreted as Pathogenic, for Hyperekplexia 4, autosomal recessive. The following ACMG Tag(s) were applied: PM2 => Absent from controls (or at extremely low frequency if recessive) in Exome Sequencing Project, 1000 Genomes Project, or Exome Aggregation Consortium. PS3 => Well-established functional studies show a deleterious effect (PubMed 28180185). PP1-Moderate => PP1 upgraded in strength to Moderate (PubMed 28180185). PVS1-Strong => PVS1 downgraded in strength to Strong.

OMIM
Classification: Pathogenic for HYPEREKPLEXIA 4. Last evaluated: 2020-03-17. Review status: no assertion criteria provided. Collection method: literature only. Allele origin: germline. Not counted in ClinVar's aggregate classification.

Literature cited by the submitters: PubMed 28180185 (cited by 3 submitters).